The following is an entry in ClinVar:

NM_080425.4(GNAS):c.1013del (p.Lys338fs)

Gene: GNAS (GNAS complex locus; plus strand). Cytogenetic location: 20q13.32.
Variant type: Deletion.
Coding change: c.1013del on transcript NM_080425.4 (MANE Plus Clinical); coding-DNA position 1013, one base deleted (A; older notation c.1013delA).
Protein change: p.Lys338fs; shifts the reading frame from lysine 338.
Molecular consequence: frameshift variant. On other transcripts: intron variant (3).
Genome position (GRCh38, 1-based): chr20:58,854,278, A deleted; the last of 2 consecutive A bases (chr20:58,854,277-58,854,278); deleting either gives the same sequence. VCF-style (leftmost placement, unchanged base first): chr20-58854276-CA-C. GRCh37 (hg19) VCF-style: chr20-57429331-CA-C.
Other names: c.826del, p.Arg276fs (NM_001077490.3, NM_001309883.1); c.1013del, p.Lys338fs (NM_001410913.1); c.*42+13392del (NM_016592.5); c.43+13392del (NM_001410912.1); c.-39+12403del (NM_001309861.2); short protein forms R276fs, K338fs.
Identifiers: ClinVar variation 4991646 (VCV004991646.1).

ClinVar aggregate classification (germline): Uncertain significance (1 of 4 stars; one submission).

Conditions:
GNAS-related disorder. Identifiers: MedGen CN380105.

Submission:

PreventionGenetics, part of Exact Sciences
Classification: Uncertain significance for GNAS-related condition. Last evaluated: 2026-02-17. Review status: criteria provided, single submitter. Criteria: ACMG Guidelines, 2015. Collection method: clinical testing. Allele origin: germline.
Comment: The GNAS c.1013delA variant is predicted to result in a frameshift and premature protein termination (p.Lys338Argfs*352). This variant corresponds to a pre-coding position in the more commonly reported isoform for this gene (NM_000516:c.-37449delA). To our knowledge, this variant has not been reported in the literature or in a large population database (gnomAD), indicating this variant is rare. At this time, the clinical significance of this variant is uncertain due to the absence of conclusive functional and genetic evidence.